The following is an entry in ClinVar:

NM_002474.3(MYH11):c.2466C>A (p.Asn822Lys)

Gene: MYH11 (myosin heavy chain 11; minus strand). Cytogenetic location: 16p13.11.
Variant type: single nucleotide variant.
Coding change: c.2466C>A on transcript NM_002474.3 (MANE Select); coding-DNA position 2466, C replaced by A.
Protein change: p.Asn822Lys; replaces asparagine 822 with lysine.
Molecular consequence: missense variant.
Genome position (GRCh38, 1-based): chr16:15,745,183, G>T on the plus strand (C>A on the coding strand, the complement: MYH11 is on the minus strand). VCF-style: chr16-15745183-G-T. GRCh37 (hg19) VCF-style: chr16-15839040-G-T.
Other names: c.2487C>A, p.Asn829Lys (NM_001040113.2, NM_001040114.2); c.2466C>A, p.Asn822Lys (NM_022844.3); short protein forms N822K, N829K.
Identifiers: ClinVar variation 2877345 (VCV002877345.3), dbSNP rs2506242210, ClinGen allele CA394866830.
Genomic context (GRCh38, chr16:15,745,183, plus strand): 5'-ACTCACTTTGGTGAAAAGCCTCCACCACTGCCAGTTCCGCAGCTTGAGGTAGGCGGCGCA[G>T]TTCCTCTGAATCACCTTCATGGCGGTCAGCTGCTGCTGCCTCTTGGCAAAAGCCCTAGGG-3'
Protein context (NP_002465.1, residues 812-832): QLTAMKVIQR[Asn822Lys]CAAYLKLRNW

ClinVar aggregate classification (germline): Uncertain significance (1 of 4 stars; one submission).

Conditions:
Aortic aneurysm, familial thoracic 4 (AAT4). Also called: AORTIC ANEURYSM/AORTIC DISSECTION AND PATENT DUCTUS ARTERIOSUS. Identifiers: MedGen C1851504, MONDO:0007568, OMIM 132900.

Submission:

Labcorp Genetics (formerly Invitae), Labcorp
Classification: Uncertain significance for Aortic aneurysm, familial thoracic 4. Last evaluated: 2023-05-23. Review status: criteria provided, single submitter. Criteria: Invitae Variant Classification Sherloc (09022015). Collection method: clinical testing. Allele origin: germline.
Comment: Advanced modeling of protein sequence and biophysical properties (such as structural, functional, and spatial information, amino acid conservation, physicochemical variation, residue mobility, and thermodynamic stability) performed at Invitae indicates that this missense variant is not expected to disrupt MYH11 protein function. This variant has not been reported in the literature in individuals affected with MYH11-related conditions. This variant is not present in population databases (gnomAD no frequency). This sequence change replaces asparagine, which is neutral and polar, with lysine, which is basic and polar, at codon 829 of the MYH11 protein (p.Asn829Lys). In summary, the available evidence is currently insufficient to determine the role of this variant in disease. Therefore, it has been classified as a Variant of Uncertain Significance.